The following is an entry in ClinVar:

NM_001035.3(RYR2):c.1143_1170+62del

Gene: RYR2 (ryanodine receptor 2; plus strand). Cytogenetic location: 1q43.
Variant type: Deletion.
Coding change: c.1143_1170+62del on transcript NM_001035.3 (MANE Select); coding-DNA position 1143 through 62 bases into the intron after coding-DNA position 1170, 90 bases deleted.
Molecular consequence: splice donor variant.
Genome position (GRCh38, 1-based): chr1:237,441,456-237,441,545, 90 bases deleted. GRCh37 (hg19): chr1:237,604,756-237,604,845.
Identifiers: ClinVar variation 4542511 (VCV004542511.1).

ClinVar aggregate classification (germline): Likely pathogenic (1 of 4 stars; one submission).

Submission:

Mayo Clinic Laboratories, Mayo Clinic
Classification: Likely pathogenic. Last evaluated: 2025-01-14. Review status: criteria provided, single submitter. Criteria: ACMG Guidelines, 2015. Collection method: clinical testing. Allele origin: germline. Observed: 1 variant allele.
Comment: PP4, PM2_supporting, PVS1_strong